The following is an entry in ClinVar:

NM_152419.3(HGSNAT):c.1591A>C (p.Ile531Leu)

Gene: HGSNAT (heparan-alpha-glucosaminide N-acetyltransferase; plus strand). Cytogenetic location: 8p11.21.
Variant type: single nucleotide variant.
Coding change: c.1591A>C on transcript NM_152419.3 (MANE Select); coding-DNA position 1591, A replaced by C.
Protein change: p.Ile531Leu; replaces isoleucine 531 with leucine.
Molecular consequence: missense variant.
Genome position (GRCh38, 1-based): chr8:43,197,720, A>C. VCF-style: chr8-43197720-A-C. GRCh37 (hg19) VCF-style: chr8-43052863-A-C.
Other names: c.1678A>C, p.Ile560Leu (NM_001363227.2); c.1399A>C, p.Ile467Leu (NM_001363228.2); c.727A>C, p.Ile243Leu (NM_001363229.2); short protein forms I467L, I243L, I560L, I531L.
Identifiers: ClinVar variation 1469639 (VCV001469639.6), dbSNP rs1804772048, ClinGen allele CA371120540.

ClinVar aggregate classification (germline): Uncertain significance (1 of 4 stars; one submission).

Conditions:
Mucopolysaccharidosis, MPS-III-C (MPS3C). Also called: SANFILIPPO SYNDROME C; MPS III C; MPS IIIC (Sanfilippo Syndrome Type C); MUCOPOLYSACCHARIDOSIS, TYPE IIIC; Mucopolysaccharidosis type IIIC (Sanfilippo C); mucopolysaccharidosis type 3C. Identifiers: Orphanet 581, Orphanet 79271, MedGen C0086649, MONDO:0009657, OMIM 252930.
Retinitis pigmentosa 73 (RP73). Identifiers: Orphanet 791, MedGen C4225287, MONDO:0014687, OMIM 616544.

Allele frequency attached by ClinVar (database versions not stated): gnomAD 0.00001; TOPMed below 0.00001.
gnomAD v4.1: 2 of 1,613,286 alleles (0.00012%); highest among the groups gnomAD compares: African/African-American, 0.0027%; no homozygotes.

Submission:

Labcorp Genetics (formerly Invitae), Labcorp
Classification: Uncertain significance for Retinitis pigmentosa 73; Mucopolysaccharidosis, MPS-III-C. Last evaluated: 2022-01-14. Review status: criteria provided, single submitter. Criteria: Invitae Variant Classification Sherloc (09022015). Collection method: clinical testing. Allele origin: germline.
Comment: In summary, the available evidence is currently insufficient to determine the role of this variant in disease. Therefore, it has been classified as a Variant of Uncertain Significance. This sequence change replaces isoleucine, which is neutral and non-polar, with leucine, which is neutral and non-polar, at codon 531 of the HGSNAT protein (p.Ile531Leu). This variant is not present in population databases (gnomAD no frequency). This variant has not been reported in the literature in individuals affected with HGSNAT-related conditions. Advanced modeling of protein sequence and biophysical properties (such as structural, functional, and spatial information, amino acid conservation, physicochemical variation, residue mobility, and thermodynamic stability) performed at Invitae indicates that this missense variant is expected to disrupt HGSNAT protein function.